The following is an entry in ClinVar:

NM_001164665.2(KIAA1549):c.1696C>G (p.Leu566Val)

Gene: KIAA1549 (KIAA1549; minus strand). Cytogenetic location: 7q34.
Variant type: single nucleotide variant.
Coding change: c.1696C>G on transcript NM_001164665.2 (MANE Select); coding-DNA position 1696, C replaced by G.
Protein change: p.Leu566Val; replaces leucine 566 with valine.
Molecular consequence: missense variant.
Genome position (GRCh38, 1-based): chr7:138,917,930, G>C on the plus strand (C>G on the coding strand, the complement: KIAA1549 is on the minus strand). VCF-style: chr7-138917930-G-C. GRCh37 (hg19) VCF-style: chr7-138602676-G-C.
Other names: c.1696C>G, p.Leu566Val (NM_020910.3); short protein forms L566V.
Identifiers: ClinVar variation 939275 (VCV000939275.6), dbSNP rs144764234, ClinGen allele CA4506654.

ClinVar aggregate classification (germline): Uncertain significance. Review status: criteria provided, multiple submitters, no conflicts (2 of 4 stars). 2 submissions from 2 submitters: Uncertain significance (2). Last evaluated 2025-10-22.

Conditions:
Inborn genetic diseases. Identifiers: MedGen C0950123, MeSH D030342.

Allele frequency attached by ClinVar (database versions not stated): gnomAD exomes 0.00002; TOPMed 0.00002; ExAC 0.00003; gnomAD 0.00004; 1000 Genomes Project 30x 0.00016; 1000 Genomes Project 0.00020.
gnomAD v4.1: 41 of 1,596,326 alleles (0.0026%); highest among the groups gnomAD compares: Admixed American, 0.0071%; no homozygotes.

Submissions (2):

Ambry Genetics
Classification: Uncertain significance for Inborn genetic diseases. Last evaluated: 2025-10-22. Review status: criteria provided, single submitter. Criteria: Ambry Variant Classification Scheme 2023. Collection method: clinical testing. Allele origin: germline.

Labcorp Genetics (formerly Invitae), Labcorp
Classification: Uncertain significance. Last evaluated: 2025-04-07. Review status: criteria provided, single submitter. Criteria: Invitae Variant Classification Sherloc (09022015). Collection method: clinical testing. Allele origin: germline.
Comment: This sequence change replaces leucine, which is neutral and non-polar, with valine, which is neutral and non-polar, at codon 566 of the KIAA1549 protein (p.Leu566Val). This variant is present in population databases (rs144764234, gnomAD 0.007%). This variant has not been reported in the literature in individuals affected with KIAA1549-related conditions. ClinVar contains an entry for this variant (Variation ID: 939275). An algorithm developed to predict the effect of missense changes on protein structure and function (PolyPhen-2) suggests that this variant is likely to be tolerated. In summary, the available evidence is currently insufficient to determine the role of this variant in disease. Therefore, it has been classified as a Variant of Uncertain Significance.